The following is an entry in ClinVar:

NM_057175.5(NAA15):c.811+6A>G

Gene: NAA15 (N-alpha-acetyltransferase 15, NatA auxiliary subunit; plus strand). Cytogenetic location: 4q31.1.
Variant type: single nucleotide variant.
Coding change: c.811+6A>G on transcript NM_057175.5 (MANE Select); 6 bases into the intron after coding-DNA position 811, A replaced by G.
Molecular consequence: intron variant.
Genome position (GRCh38, 1-based): chr4:139,349,587, A>G. VCF-style: chr4-139349587-A-G. GRCh37 (hg19) VCF-style: chr4-140270741-A-G.
Other names: c.811+6A>G (NM_001410842.1).
Identifiers: ClinVar variation 4774979 (VCV004774979.1).

ClinVar aggregate classification (germline): Uncertain significance (1 of 4 stars; one submission).

Submission:

Labcorp Genetics (formerly Invitae), Labcorp
Classification: Uncertain significance. Last evaluated: 2025-05-02. Review status: criteria provided, single submitter. Criteria: Invitae Variant Classification Sherloc (09022015). Collection method: clinical testing. Allele origin: germline.
Comment: This sequence change falls in intron 7 of the NAA15 gene. It does not directly change the encoded amino acid sequence of the NAA15 protein. It affects a nucleotide within the consensus splice site. This variant is not present in population databases (gnomAD no frequency). This variant has not been reported in the literature in individuals affected with NAA15-related conditions. Variants that disrupt the consensus splice site are a relatively common cause of aberrant splicing (PMID: 17576681, 9536098). Algorithms developed to predict the effect of sequence changes on RNA splicing suggest that this variant is not likely to affect RNA splicing. In summary, the available evidence is currently insufficient to determine the role of this variant in disease. Therefore, it has been classified as a Variant of Uncertain Significance.

Literature cited by the submitters: PubMed 17576681; PubMed 9536098.